The following is an entry in ClinVar:

NM_016648.4(LARP7):c.728_729dup (p.Ser244fs)

Genes: LARP7 (La ribonucleoprotein 7, transcriptional regulator; plus strand), MIR302CHG (miR-302/367 cluster host gene; minus strand). Cytogenetic location: 4q25.
Variant type: Microsatellite.
Coding change: c.728_729dup on transcript NM_016648.4 (MANE Select); coding-DNA positions 728 to 729, 2 bases duplicated (CA; older notation c.728_729dupCA).
Protein change: p.Ser244fs; shifts the reading frame from serine 244.
Molecular consequence: frameshift variant.
Genome position (GRCh38, 1-based): chr4:112,647,280-112,647,281, CA duplicated; duplicating any 2 consecutive bases within chr4:112,647,277-112,647,281 gives the same sequence; the c. name uses the placement nearest the transcript's 3' end. VCF-style (leftmost placement, unchanged base first): chr4-112647276-G-GAC. GRCh37 (hg19) VCF-style: chr4-113568432-G-GAC.
Other names: c.728_729dup, p.Ser244fs (NM_001267039.4, NM_001370974.1, NM_001370975.1 and 2 more transcripts); c.725_726dup, p.Ser243fs (NM_001370976.1, NM_001370977.1, NM_001370979.1 and 1 more transcripts); c.491_492dup, p.Ser165fs (NM_001370981.1, NM_001370982.1); short protein forms S165fs, S243fs, S244fs.
Identifiers: ClinVar variation 1803676 (VCV001803676.4), dbSNP rs1285602098, ClinGen allele CA554146412.

ClinVar aggregate classification (germline): Pathogenic. Review status: criteria provided, multiple submitters, no conflicts (2 of 4 stars). 2 submissions from 2 submitters: Pathogenic (2). Last evaluated 2025-09-16.

Submissions (2):

GeneDx
Classification: Pathogenic. Last evaluated: 2025-09-16. Review status: criteria provided, single submitter. Criteria: GeneDx Variant Classification Process June 2021. Collection method: clinical testing. Allele origin: germline.
Comment: Frameshift variant predicted to result in protein truncation or nonsense mediated decay in a gene for which loss-of-function is a known mechanism of disease; Not observed at significant frequency in large population cohorts (gnomAD); Has not been previously published as pathogenic or benign to our knowledge

Labcorp Genetics (formerly Invitae), Labcorp
Classification: Pathogenic. Last evaluated: 2022-05-21. Review status: criteria provided, single submitter. Criteria: Invitae Variant Classification Sherloc (09022015). Collection method: clinical testing. Allele origin: germline.
Comment: This sequence change creates a premature translational stop signal (p.Ser244Glnfs*9) in the LARP7 gene. It is expected to result in an absent or disrupted protein product. Loss-of-function variants in LARP7 are known to be pathogenic (PMID: 22865833, 26374271, 26607181). This variant is present in population databases (no rsID available, gnomAD 0.0009%). This variant has not been reported in the literature in individuals affected with LARP7-related conditions. For these reasons, this variant has been classified as Pathogenic.

Literature cited by the submitters: PubMed 22865833 (cited by Labcorp Genetics (formerly Invitae), Labcorp); PubMed 26374271 (cited by Labcorp Genetics (formerly Invitae), Labcorp); PubMed 26607181 (cited by Labcorp Genetics (formerly Invitae), Labcorp).